The following is an entry in ClinVar:

NM_001127649.3(PEX26):c.153C>A (p.Phe51Leu)

Gene: PEX26 (peroxisomal biogenesis factor 26; plus strand). Cytogenetic location: 22q11.21.
Variant type: single nucleotide variant.
Coding change: c.153C>A on transcript NM_001127649.3 (MANE Select); coding-DNA position 153, C replaced by A.
Protein change: p.Phe51Leu; replaces phenylalanine 51 with leucine.
Molecular consequence: missense variant.
Genome position (GRCh38, 1-based): chr22:18,078,529, C>A. VCF-style: chr22-18078529-C-A. GRCh37 (hg19) VCF-style: chr22-18561295-C-A.
Other names: c.153C>A, p.Phe51Leu (NM_001199319.2, NM_017929.6); short protein forms F51L.
Identifiers: ClinVar variation 340750 (VCV000340750.16), dbSNP rs777633990, ClinGen allele CA10093231.
Genomic context (GRCh38, chr22:18,078,529, plus strand): 5'-GGCGCCGGCCGTGGACCTTCTGGAGGAGGCGGCCGACCTCCTGGTGGTGCACCTGGACTT[C>A]CGGGCGGCGCTGGAGACCTGCGAGCGGGCCTGGCAGAGTCTGGCCAACCACGCCGTGGCA-3'
Protein context (NP_001121121.1, residues 41-61): AADLLVVHLD[Phe51Leu]RAALETCERA

ClinVar aggregate classification (germline): Uncertain significance. Review status: criteria provided, multiple submitters, no conflicts (2 of 4 stars). 5 submissions from 5 submitters: Uncertain significance (5). Last evaluated 2024-03-07.

Conditions:
Peroxisome biogenesis disorder 7A (Zellweger). Also called: Peroxisome biogenesis disorder 7A. Identifiers: Orphanet 912, MedGen C3888385, MONDO:0013938, OMIM 614872.
Peroxisome biogenesis disorder 7B (PBD7B). Identifiers: Orphanet 44, MedGen C3553951, MONDO:0013939, OMIM 614873.

Allele frequency attached by ClinVar (database versions not stated): gnomAD 0.00002; gnomAD exomes 0.00002 and 0.00003; TOPMed 0.00002; ExAC 0.00003.
gnomAD v4.1: 26 of 1,577,400 alleles (0.0016%); highest among the groups gnomAD compares: Non-Finnish European, 0.0006%; no homozygotes.

Submissions (5):

Women's Health and Genetics/Laboratory Corporation of America, LabCorp
Classification: Uncertain significance. Last evaluated: 2024-03-07. Review status: criteria provided, single submitter. Criteria: LabCorp Variant Classification Summary - May 2015. Collection method: clinical testing. Allele origin: germline.
Comment: Variant summary: PEX26 c.153C>A (p.Phe51Leu) results in a non-conservative amino acid change in the encoded protein sequence. Four of five in-silico tools predict a damaging effect of the variant on protein function. The variant allele was found at a frequency of 3.3e-05 in 182790 control chromosomes (gnomAD). The available data on variant occurrences in the general population are insufficient to allow any conclusion about variant significance. c.153C>A has been reported in the literature in individuals affected with hearing loss (example: Tanaka_2016). This report does not provide unequivocal conclusions about association of the variant with Zellweger Syndrome. One publication reports experimental evidence evaluating an impact on protein function, however, does not allow convincing conclusions about the variant effect. The following publication has been ascertained in the context of this evaluation (PMID: 30446579). ClinVar contains an entry for this variant (Variation ID: 340750). Based on the evidence outlined above, the variant was classified as uncertain significance.

Labcorp Genetics (formerly Invitae), Labcorp
Classification: Uncertain significance for Peroxisome biogenesis disorder 7A (Zellweger); Peroxisome biogenesis disorder 7B. Last evaluated: 2022-02-04. Review status: criteria provided, single submitter. Criteria: Invitae Variant Classification Sherloc (09022015). Collection method: clinical testing. Allele origin: germline.
Comment: This sequence change replaces phenylalanine, which is neutral and non-polar, with leucine, which is neutral and non-polar, at codon 51 of the PEX26 protein (p.Phe51Leu). This variant is present in population databases (rs777633990, gnomAD 0.05%). This variant has not been reported in the literature in individuals affected with PEX26-related conditions. ClinVar contains an entry for this variant (Variation ID: 340750). Algorithms developed to predict the effect of missense changes on protein structure and function are either unavailable or do not agree on the potential impact of this missense change (SIFT: "Deleterious"; PolyPhen-2: "Probably Damaging"; Align-GVGD: "Class C15"). Experimental studies have shown that this missense change affects PEX26 function (PMID: 30446579). In summary, the available evidence is currently insufficient to determine the role of this variant in disease. Therefore, it has been classified as a Variant of Uncertain Significance.

GeneDx
Classification: Uncertain significance. Last evaluated: 2018-08-16. Review status: criteria provided, single submitter. Criteria: GeneDx Variant Classification (06012015). Collection method: clinical testing. Allele origin: germline. Affected: yes.
Comment: The F51L variant in the PEX26 gene has been observed in the homozygous state in internal GeneDx clinical exome sequencing data in association with nonsyndromic hearing loss and has not been observed in the homozygous state in controls. The F51L variant is observed in 4/8706 (0.0459%) alleles from individuals of Ashkenazi Jewish background in large population cohorts (Lek et al., 2016). The F51L variant is a conservative amino acid substitution, which is not likely to impact secondary protein structure as these residues share similar properties. However, in-silico analyses, including protein predictors and evolutionary conservation, support a deleterious effect. Therefore, we interpret F51L as a variant of uncertain significance.

Illumina Laboratory Services, Illumina
Classification: Uncertain significance for Peroxisome biogenesis disorder 7A (Zellweger). Last evaluated: 2018-01-13. Review status: criteria provided, single submitter. Criteria: ICSL Variant Classification Criteria 13 December 2019. Collection method: clinical testing. Allele origin: germline.

Eurofins Ntd Llc (ga)
Classification: Uncertain significance. Last evaluated: 2017-09-18. Review status: criteria provided, single submitter. Criteria: EGL Classification Definitions 2015. Collection method: clinical testing. Allele origin: germline. Observed: 1 variant allele, 1 heterozygote.

Literature cited by the submitters: PubMed 30446579 (cited by Women's Health and Genetics/Laboratory Corporation of America, LabCorp and Labcorp Genetics (formerly Invitae), Labcorp).